The following is an entry in ClinVar:

NM_006244.4(PPP2R5B):c.1363C>A (p.Gln455Lys)

Gene: PPP2R5B (protein phosphatase 2 regulatory subunit B'beta; plus strand). Cytogenetic location: 11q13.1.
Variant type: single nucleotide variant.
Coding change: c.1363C>A on transcript NM_006244.4 (MANE Select); coding-DNA position 1363, C replaced by A.
Protein change: p.Gln455Lys; replaces glutamine 455 with lysine.
Molecular consequence: missense variant.
Genome position (GRCh38, 1-based): chr11:64,933,713, C>A. VCF-style: chr11-64933713-C-A. GRCh37 (hg19) VCF-style: chr11-64701185-C-A.
Other names: short protein forms Q455K.
Identifiers: ClinVar variation 1605295 (VCV001605295.28), dbSNP rs146213589, ClinGen allele CA6087094.

ClinVar aggregate classification (germline): Benign/Likely benign. Review status: criteria provided, multiple submitters, no conflicts (2 of 4 stars). 2 submissions from 2 submitters: Benign (1); Likely benign (1). Last evaluated 2025-06-15.

Allele frequency attached by ClinVar (database versions not stated): gnomAD 0.00031; TOPMed 0.00033; ESP Exome Variant Server 0.00055; gnomAD exomes 0.00072; ExAC 0.00127.
gnomAD v4.1: 493 of 1,556,058 alleles (0.032%); highest among the groups gnomAD compares: Admixed American, 0.016%; 1 homozygote.

Submissions (2):

Labcorp Genetics (formerly Invitae), Labcorp
Classification: Benign. Last evaluated: 2025-06-15. Review status: criteria provided, single submitter. Criteria: Invitae Variant Classification Sherloc (09022015). Collection method: clinical testing. Allele origin: germline.

CeGaT Center for Human Genetics Tuebingen
Classification: Likely benign. Last evaluated: 2024-04-01. Review status: criteria provided, single submitter. Criteria: CeGaT Center For Human Genetics Tuebingen Variant Classification Criteria Version 2. Collection method: clinical testing. Allele origin: germline. Affected: yes. Observed: 1 variant allele.
Comment: PPP2R5B: BP4